The following is an entry in ClinVar:

NM_001903.5(CTNNA1):c.1739C>T (p.Ser580Phe)

Gene: CTNNA1 (catenin alpha 1; plus strand). Cytogenetic location: 5q31.2.
Variant type: single nucleotide variant.
Coding change: c.1739C>T on transcript NM_001903.5 (MANE Select); coding-DNA position 1739, C replaced by T.
Protein change: p.Ser580Phe; replaces serine 580 with phenylalanine.
Molecular consequence: missense variant.
Genome position (GRCh38, 1-based): chr5:138,924,702, C>T. VCF-style: chr5-138924702-C-T. GRCh37 (hg19) VCF-style: chr5-138260391-C-T.
Other names: c.1739C>T, p.Ser580Phe (NM_001290307.3, NM_001323982.2, NM_001323983.1 and 2 more transcripts); c.1430C>T, p.Ser477Phe (NM_001290309.3); c.1370C>T, p.Ser457Phe (NM_001290310.3); c.629C>T, p.Ser210Phe (NM_001290312.1, NM_001323987.1, NM_001323988.1 and 17 more transcripts); c.1646C>T, p.Ser549Phe (NM_001323986.2); c.290C>T, p.Ser97Phe (NM_001324006.1, NM_001324007.1, NM_001324008.1 and 2 more transcripts); c.536C>T, p.Ser179Phe (NM_001324011.1); c.386C>T, p.Ser129Phe (NM_001324012.1, NM_001324013.1); short protein forms S179F, S210F, S477F, S549F, S97F, S129F, S457F, S580F.
Identifiers: ClinVar variation 1779141 (VCV001779141.2), dbSNP rs2533714367, ClinGen allele CA361132090.
Genomic context (GRCh38, chr5:138,924,702, plus strand): 5'-TGGACAACTATGAGCCAGGAGTCTACACAGAGAAGGTTCTGGAAGCCACTAAGCTGCTCT[C>T]CAACACAGGTACGGGAACTCTCCCTTTCCAGTGCTCGCACACACCGCAGCCTCAGTGAGG-3'
Protein context (NP_001894.2, residues 570-590): EKVLEATKLL[Ser580Phe]NTVMPRFTEQ

ClinVar aggregate classification (germline): Uncertain significance (1 of 4 stars; one submission).

Conditions:
Hereditary cancer-predisposing syndrome. Also called: Neoplastic Syndromes, Hereditary; Tumor predisposition; Hereditary Cancer Syndrome; Hereditary neoplastic syndrome. Identifiers: Orphanet 140162, MedGen C0027672, MeSH D009386, MONDO:0015356.

Submission:

Ambry Genetics
Classification: Uncertain significance for Hereditary cancer-predisposing syndrome. Last evaluated: 2022-06-21. Review status: criteria provided, single submitter. Criteria: Ambry Variant Classification Scheme 2023. Collection method: clinical testing. Allele origin: germline.
Comment: The p.S580F variant (also known as c.1739C>T), located in coding exon 11 of the CTNNA1 gene, results from a C to T substitution at nucleotide position 1739. The serine at codon 580 is replaced by phenylalanine, an amino acid with highly dissimilar properties. This amino acid position is conserved. In addition, this alteration is predicted to be tolerated by in silico analysis. Since supporting evidence is limited at this time, the clinical significance of this alteration remains unclear.